The following is an entry in ClinVar:

NM_000142.5(FGFR3):c.1537G>A (p.Asp513Asn)

Gene: FGFR3 (fibroblast growth factor receptor 3; plus strand). Cytogenetic location: 4p16.3.
Variant type: single nucleotide variant.
Coding change: c.1537G>A on transcript NM_000142.5 (MANE Select); coding-DNA position 1537, G replaced by A.
Protein change: p.Asp513Asn; replaces aspartic acid 513 with asparagine.
Molecular consequence: missense variant. On other transcripts: non-coding transcript variant (1).
Genome position (GRCh38, 1-based): chr4:1,805,561, G>A. VCF-style: chr4-1805561-G-A. GRCh37 (hg19) VCF-style: chr4-1807288-G-A.
Other names: c.1543G>A, p.Asp515Asn (NM_001163213.2); c.1540G>A, p.Asp514Asn (NM_001354809.2, NM_001354810.2); c.1201G>A, p.Asp401Asn (NM_022965.4); short protein forms D513N, D515N, D401N, D514N.
Identifiers: ClinVar variation 16354 (VCV000016354.36), dbSNP rs121913112, ClinGen allele CA126384.

ClinVar aggregate classification (germline): Uncertain significance. Review status: criteria provided, multiple submitters, no conflicts (2 of 4 stars). 9 submissions from 9 submitters: Uncertain significance (8). 1 of the submissions does not count toward it. Last evaluated 2026-09-17.

Conditions:
FGFR3-related chondrodysplasia. Identifiers: Orphanet 93420, MedGen C5681604, MONDO:0019685.
FGFR3-related disorder. Also called: FGFR3-related disorders.
Lacrimoauriculodentodigital syndrome 2 (LADD2). Also called: LADD SYNDROME 2. Identifiers: MedGen C5774286, MONDO:0859577, OMIM 620192.
Levy-Hollister syndrome (LADD). Also called: LADD syndrome. Identifiers: Orphanet 2363, MedGen C0265269, MONDO:0007872.

Allele frequency attached by ClinVar (database versions not stated): gnomAD 0.00002; TOPMed 0.00004; ExAC 0.00005.
gnomAD v4.1: 66 of 1,613,026 alleles (0.0041%); highest among the groups gnomAD compares: Admixed American, 0.005%; no homozygotes.

Submissions (9):

PreventionGenetics, part of Exact Sciences
Classification: Uncertain significance for FGFR3-related condition. Last evaluated: 2026-09-17. Review status: criteria provided, single submitter. Criteria: ACMG Guidelines, 2015. Collection method: clinical testing. Allele origin: germline.
Comment: The FGFR3 c.1537G>A variant is predicted to result in the amino acid substitution p.Asp513Asn. This variant has been reported in three individuals in a family segregating with lacrimo-auriculo-dento-digital syndrome, occurring de novo in the affected father (Rohmann et al. 2006. PubMed ID: 16501574). This variant is reported in 0.0085% of alleles in individuals of Latino descent in gnomAD, including 66 heterozygotes in the larger gnomAD v4.1.1 database. An alternate missense change at the same amino acid position (p.Asp513Tyr) has been reported in the compound heterozygous state in a fetus with FGFR3-related disease (Table S2, Zhao et al. 2021. PubMed ID: 33100332). Although we suspect that this variant may be pathogenic, at this time, the clinical significance of this variant is uncertain due to the absence of conclusive functional and genetic evidence.

Genomenon, Inc
Classification: Uncertain significance for FGFR3-related chondrodysplasia. Last evaluated: 2026-06-23. Review status: criteria provided, single submitter. Criteria: Genomenon Sequence Variant Interpretation Standards - Updated. Collection method: curation. Allele origin: germline. Affected: no.
Comment: FGFR3 p.Asp513Asn (c.1537G>A) is a missense variant that changes the amino acid at codon 513 from Aspartic acid to Asparagine. This variant has been reported in the published literature (PMID:38411226;16501574;34906245;28483234;18328977;35741772). It is absent or not present at a significant frequency in gnomAD. In conclusion, we classify FGFR3 p.Asp513Asn (c.1537G>A) as a variant of uncertain significance.

Labcorp Genetics (formerly Invitae), Labcorp
Classification: Uncertain significance. Last evaluated: 2025-12-24. Review status: criteria provided, single submitter. Criteria: Invitae Variant Classification Sherloc (09022015). Collection method: clinical testing. Allele origin: germline.
Comment: This sequence change replaces aspartic acid, which is acidic and polar, with asparagine, which is neutral and polar, at codon 513 of the FGFR3 protein (p.Asp513Asn). This variant is present in population databases (rs121913112, gnomAD 0.009%). This missense change has been observed in individual(s) with lacrimo-auriculo-dento-digital syndrome (PMID: 16501574). It has also been observed to segregate with disease in related individuals. ClinVar contains an entry for this variant (Variation ID: 16354). An algorithm developed to predict the effect of missense changes on protein structure and function (PolyPhen-2) suggests that this variant is likely to be tolerated. In summary, the available evidence is currently insufficient to determine the role of this variant in disease. Therefore, it has been classified as a Variant of Uncertain Significance.

CeGaT Center for Human Genetics Tuebingen
Classification: Uncertain significance. Last evaluated: 2025-07-01. Review status: criteria provided, single submitter. Criteria: CeGaT Center For Human Genetics Tuebingen Variant Classification Criteria Version 2. Collection method: clinical testing. Allele origin: germline. Affected: yes. Observed: 1 variant allele.
Comment: FGFR3: PM1:Supporting, PS2:Supporting, PS4:Supporting, BS1:Supporting

Women's Health and Genetics/Laboratory Corporation of America, LabCorp
Classification: Uncertain significance. Last evaluated: 2023-03-06. Review status: criteria provided, single submitter. Criteria: LabCorp Variant Classification Summary - May 2015. Collection method: clinical testing. Allele origin: germline.
Comment: Variant summary: FGFR3 c.1537G>A (p.Asp513Asn) results in a conservative amino acid change located in the Protein kinase domain (IPR000719) of the encoded protein sequence. Four of five in-silico tools predict a benign effect of the variant on protein function. The variant allele was found at a frequency of 4.8e-05 in 250540 control chromosomes. This frequency does not allow conclusions about variant significance. c.1537G>A has been reported in the literature as a reportedly de-novo variant in an affected father and two of his offspring affected with features of Lacrimo-auriculo-dento-digital (LADD) syndrome (example, Rohmann_2006 cited in Ryu_2020). To our knowledge, it has not been reported in the literature in individuals affected with Achondroplasia. These data indicate that the variant may be associated with disease although the frequency in control cohorts seems at odds with the reportedly de-novo inheritance in the family ascertained above (Rohmann_2006). To our knowledge, no experimental evidence demonstrating an impact on protein function has been reported. Three clinical diagnostic laboratories have submitted clinical-significance assessments for this variant to ClinVar after 2014 without evidence for independent evaluation. All laboratories classified the variant as uncertain significance. Based on the evidence outlined above, the variant was classified as uncertain significance.

GeneDx
Classification: Uncertain significance. Last evaluated: 2021-04-14. Review status: criteria provided, single submitter. Criteria: GeneDx Variant Classification Process June 2021. Collection method: clinical testing. Allele origin: germline. Affected: yes.
Comment: In silico analysis, which includes protein predictors and evolutionary conservation, supports a deleterious effect; This variant is associated with the following publications: (PMID: 31589614, 17682060, 19215249, 28483234, 16501574)

Victorian Clinical Genetics Services, Murdoch Childrens Research Institute
Classification: Uncertain significance for Levy-Hollister syndrome. Last evaluated: 2020-07-02. Review status: criteria provided, single submitter. Criteria: ACMG Guidelines, 2015. Collection method: clinical testing. Allele origin: germline. Affected: yes.
Comment: Based on the classification scheme VCGS_Germline_v1.3.3, this variant is classified as 3A-VUS. Following criteria are met: 0103 - Both gain and loss of function are known mechanisms of disease in this gene. Gain of function variants in this gene have been associated with autosomal dominant skeletal dysplasias, while loss of function variants have been have been associated with autosomal recessive CATSHL syndrome (PMID: 25614871). The disease mechanism for autosomal dominant LADD syndrome is not clearly established. (I) 0108 - This gene is associated with both recessive and dominant disease (OMIM). (I) 0115 - Variants in this gene are known to have variable expressivity. There is a wide range of clinical symptoms with variable expressivity in LADD syndrome patients, even within the same family (PMID: 16501574). 0200 - Variant is predicted to result in a missense amino acid change from aspartic acid to asparagine. (I) 0251 - This variant is heterozygous. (I) 0302 - Variant is present in gnomAD (v2) <0.001 for a dominant condition (13 heterozygotes, 0 homozygotes). (SP) 0309 - Two alternative amino acid changes at the same position has been observed in gnomAD (v2) (highest allele count: 3 heterozygotes, 0 homozygotes). (I) 0504 - Same amino acid change has been observed in a placental mammal. (SB) 0600 - Variant is located in the annotated protein tyrosine kinase domain (PDB, PMID: 16501574). (I) 0710 - Another missense variants comparable to the one identified in this case has inconclusive previous evidence for pathogenicity. (I) 0802 - This variant has moderate previous evidence of pathogenicity in unrelated individuals. (SP) 1007 - No published functional evidence has been identified for this variant. (I) Legend: (SP) - Supporting pathogenic, (I) - Information, (SB) - Supporting benign

ARUP Laboratories, Molecular Genetics and Genomics, ARUP Laboratories
Classification: Uncertain significance. Last evaluated: 2019-09-12. Review status: criteria provided, single submitter. Criteria: ARUP Molecular Germline Variant Investigation Process. Collection method: clinical testing. Allele origin: germline.
Comment: The FGFR3 c.1537G>A; p.Asp513Asn variant (rs121913112) is reported in the literature in a family affected with lacrimo-auriculo-dento-digital syndrome (Rohmann 2006). This variant co-segregated with disease in this family and was not observed in either parent of the oldest affected individual, suggesting a de novo origin (Rohmann 2006). This variant is found in the general population with an overall allele frequency of 0.005% (13/281908 alleles) in the Genome Aggregation Database. The aspartate at codon 513 is highly conserved, but computational analyses (SIFT: tolerated, PolyPhen-2: damaging) predict conflicting effects of this variant on protein structure/function. However, given the lack of clinical and functional data, the significance of the p.Asp513Asn variant is uncertain at this time. References: Rohmann E et al. Mutations in different components of FGF signaling in LADD syndrome. Nat Genet. 2006 Apr;38(4):414-7.

OMIM
Classification: Pathogenic for LADD SYNDROME 2. Last evaluated: 2006-04-01. Review status: no assertion criteria provided. Collection method: literature only. Allele origin: germline. Not counted in ClinVar's aggregate classification.

Literature cited by the submitters: PubMed 38411226 (cited by Genomenon, Inc); PubMed 16501574 (cited by 5 submitters); PubMed 34906245 (cited by Genomenon, Inc); PubMed 32715658 (cited by Genomenon, Inc and Women's Health and Genetics/Laboratory Corporation of America, LabCorp); PubMed 32066498 (cited by Genomenon, Inc); PubMed 28483234 (cited by Genomenon, Inc); PubMed 18328977 (cited by Genomenon, Inc); PubMed 19215249 (cited by Genomenon, Inc); PubMed 17682060 (cited by Genomenon, Inc); PubMed 25614871 (cited by Victorian Clinical Genetics Services, Murdoch Childrens Research Institute).